The following is an entry in ClinVar:

NM_152268.4(PARS2):c.401G>A (p.Trp134Ter)

Gene: PARS2 (prolyl-tRNA synthetase 2, mitochondrial; minus strand). Cytogenetic location: 1p32.3.
Variant type: single nucleotide variant.
Coding change: c.401G>A on transcript NM_152268.4 (MANE Select); coding-DNA position 401, G replaced by A.
Protein change: p.Trp134Ter; replaces tryptophan 134 with a stop codon.
Molecular consequence: nonsense.
Genome position (GRCh38, 1-based): chr1:54,758,761, C>T on the plus strand (G>A on the coding strand, the complement: PARS2 is on the minus strand). VCF-style: chr1-54758761-C-T. GRCh37 (hg19) VCF-style: chr1-55224434-C-T.
Other names: short protein forms W134*.
Identifiers: ClinVar variation 3340626 (VCV003340626.1).

ClinVar aggregate classification (germline): Likely pathogenic (1 of 4 stars; one submission).

gnomAD v4.1: 1 of 1,614,094 alleles (0.000062%); highest among the groups gnomAD compares: African/African-American, 0.0013%; no homozygotes.

Submission:

GeneDx
Classification: Likely pathogenic. Last evaluated: 2023-11-27. Review status: criteria provided, single submitter. Criteria: GeneDx Variant Classification Process June 2021. Collection method: clinical testing. Allele origin: germline. Affected: yes.
Comment: Nonsense variant in the C-terminus predicted to result in protein truncation, as the last 342 amino acids are lost, and other loss-of-function variants have been reported downstream in the Human Gene Mutation Database(HGMD); Not observed at significant frequency in large population cohorts (gnomAD); Has not been previously published as pathogenic or benign to our knowledge